The following is an entry in ClinVar:

ClinVar aggregate classification (germline): Conflicting classifications of pathogenicity. Review status: criteria provided, conflicting classifications (1 of 4 stars). 3 submissions from 3 submitters: Likely pathogenic (1); Uncertain significance (2). Last evaluated 2026-06-11.

Conditions:
Cardiac arrhythmia. Also called: Arrhythmia; Cardiac rhythm disease. Identifiers: MedGen C0003811, MONDO:0007263, HP:0011675.
Short QT syndrome type 2. Identifiers: Orphanet 51083, MedGen C1865019, MONDO:0012313, OMIM 609621.

Allele frequency attached by ClinVar (database versions not stated): gnomAD 0.00001.
gnomAD v4.1: 4 of 1,613,746 alleles (0.00025%); highest among the groups gnomAD compares: Non-Finnish European, 0.00034%; no homozygotes.

Submissions (3):

GeneDx
Classification: Likely pathogenic. Last evaluated: 2026-06-11. Review status: criteria provided, single submitter. Criteria: GeneDx Variant Classification Process June 2021. Collection method: clinical testing. Allele origin: germline.
Comment: Not observed at significant frequency in large population cohorts (gnomAD); In silico analysis suggests that this missense variant does not alter protein structure/function; This variant is associated with the following publications: (PMID: 34495297, 31737537)

Color Diagnostics, LLC DBA Color Health
Classification: Uncertain significance for Cardiac arrhythmia. Last evaluated: 2024-11-19. Review status: criteria provided, single submitter. Criteria: ACMG Guidelines, 2015. Collection method: clinical testing. Allele origin: germline.
Comment: This missense variant replaces leucine with methionine at codon 266 of the KCNQ1 protein. Computational prediction suggests that this variant may have deleterious impact on protein structure and function. To our knowledge, functional studies have not been reported for this variant. This variant has been reported in an individual affected with arrhythmia (PMID: 31737537). This variant has not been identified in the general population by the Genome Aggregation Database (gnomAD). The available evidence is insufficient to determine the role of this variant in disease conclusively. Therefore, this variant is classified as a Variant of Uncertain Significance.

MVZ Martinsried, Medicover Genetics
Classification: Uncertain significance for Short QT syndrome type 2. Last evaluated: 2018-09-04. Review status: criteria provided, single submitter. Criteria: ACMG Guidelines, 2015. Collection method: clinical testing. Allele origin: unknown. Affected: yes.

Literature cited by the submitters: PubMed 31737537 (cited by Color Diagnostics, LLC DBA Color Health).

NM_000218.3(KCNQ1):c.796C>A (p.Leu266Met)

Gene: KCNQ1 (potassium voltage-gated channel subfamily Q member 1; plus strand). Cytogenetic location: 11p15.5.
Variant type: single nucleotide variant.
Coding change: c.796C>A on transcript NM_000218.3 (MANE Select); coding-DNA position 796, C replaced by A.
Protein change: p.Leu266Met; replaces leucine 266 with methionine.
Molecular consequence: missense variant.
Genome position (GRCh38, 1-based): chr11:2,572,861, C>A. VCF-style: chr11-2572861-C-A. GRCh37 (hg19) VCF-style: chr11-2594091-C-A.
Other names: c.796C>A, p.Leu266Met (NM_001406836.1); c.526C>A, p.Leu176Met (NM_001406837.1); c.415C>A, p.Leu139Met (NM_181798.2); short protein forms L139M, L266M, L176M.
Identifiers: ClinVar variation 598782 (VCV000598782.9), dbSNP rs1263583359, ClinGen allele CA379131299.
Genomic context (GRCh38, chr11:2,572,861, plus strand): 5'-AGCCTGCGGTTCCTGGAGCCCGACACTGTGTGTTTTCTGGCCTAGGAGCTGATAACCACC[C>A]TGTACATCGGCTTCCTGGGCCTCATCTTCTCCTCGTACTTTGTGTACCTGGCTGAGAAGG-3'
Protein context (NP_000209.2, residues 256-276): FIHRQELITT[Leu266Met]YIGFLGLIFS